The following is an entry in ClinVar:

ClinVar aggregate classification (germline): Uncertain significance (1 of 4 stars; one submission).

Conditions:
Developmental and epileptic encephalopathy, 30 (DEE30). Also called: Epileptic encephalopathy, early infantile, 30. Identifiers: MedGen C4225360, MONDO:0014595, OMIM 616341.

Submission:

Labcorp Genetics (formerly Invitae), Labcorp
Classification: Uncertain significance for Developmental and epileptic encephalopathy, 30. Last evaluated: 2020-10-28. Review status: criteria provided, single submitter. Criteria: Invitae Variant Classification Sherloc (09022015). Collection method: clinical testing. Allele origin: germline.
Comment: Advanced modeling of protein sequence and biophysical properties (such as structural, functional, and spatial information, amino acid conservation, physicochemical variation, residue mobility, and thermodynamic stability) performed at Invitae indicates that this missense variant is not expected to disrupt SIK1 protein function. In summary, the available evidence is currently insufficient to determine the role of this variant in disease. Therefore, it has been classified as a Variant of Uncertain Significance. This variant has been observed in individual(s) with clinical features of SIK1-related conditions (Invitae). This variant is not present in population databases (ExAC no frequency). This sequence change replaces isoleucine with threonine at codon 267 of the SIK1 protein (p.Ile267Thr). The isoleucine residue is highly conserved and there is a moderate physicochemical difference between isoleucine and threonine.

NM_173354.5(SIK1):c.800T>C (p.Ile267Thr)

Gene: SIK1 (salt inducible kinase 1; minus strand). Cytogenetic location: 21q22.3.
Variant type: single nucleotide variant.
Coding change: c.800T>C on transcript NM_173354.5 (MANE Select); coding-DNA position 800, T replaced by C.
Protein change: p.Ile267Thr; replaces isoleucine 267 with threonine.
Molecular consequence: missense variant.
Genome position (GRCh38, 1-based): chr21:43,420,406, A>G on the plus strand (T>C on the coding strand, the complement: SIK1 is on the minus strand). VCF-style: chr21-43420406-A-G. GRCh37 (hg19) VCF-style: chr21-44840286-A-G.
Other names: short protein forms I267T.
Identifiers: ClinVar variation 1039408 (VCV001039408.9), dbSNP rs2081051869, ClinGen allele CA410609379.